The following is an entry in ClinVar:

NM_001010874.5(TECRL):c.908A>G (p.Tyr303Cys)

Gene: TECRL (trans-2,3-enoyl-CoA reductase like; minus strand). Cytogenetic location: 4q13.1.
Variant type: single nucleotide variant.
Coding change: c.908A>G on transcript NM_001010874.5 (MANE Select); coding-DNA position 908, A replaced by G.
Protein change: p.Tyr303Cys; replaces tyrosine 303 with cysteine.
Molecular consequence: missense variant.
Genome position (GRCh38, 1-based): chr4:64,281,484, T>C on the plus strand (A>G on the coding strand, the complement: TECRL is on the minus strand). VCF-style: chr4-64281484-T-C. GRCh37 (hg19) VCF-style: chr4-65147202-T-C.
Other names: c.908A>G, p.Tyr303Cys (NM_001363796.1); short protein forms Y303C.
Identifiers: ClinVar variation 3454640 (VCV003454640.1).
Genomic context (GRCh38, chr4:64,281,484, plus strand): 5'-TTAGTATATCATGAATAGGATTCAAGCATTTACATACATAAATAACATACCTCATAGGTG[T>C]AGTTAGGACATGAAACCAGGAAAAACATCCATGTGAAGGGGTTATAATTTGGACTTGGGA-3'
Protein context (NP_001010874.2, residues 293-313): WMFFLVSCPN[Tyr303Cys]TYEIGSWISF

ClinVar aggregate classification (germline): Uncertain significance (1 of 4 stars; one submission).

Conditions:
Cardiovascular phenotype. Identifiers: MedGen CN230736.

gnomAD v4.1: 1 of 1,592,080 alleles (0.000063%); highest among the groups gnomAD compares: Non-Finnish European, 0.000086%; no homozygotes.

Submission:

Ambry Genetics
Classification: Uncertain significance for Cardiovascular phenotype. Last evaluated: 2024-12-05. Review status: criteria provided, single submitter. Criteria: Ambry Variant Classification Scheme 2023. Collection method: clinical testing. Allele origin: germline.
Comment: The p.Y303C variant (also known as c.908A>G), located in coding exon 10 of the TECRL gene, results from an A to G substitution at nucleotide position 908. The tyrosine at codon 303 is replaced by cysteine, an amino acid with highly dissimilar properties. This amino acid position is conserved. In addition, this alteration is predicted to be deleterious by in silico analysis. Based on the available evidence, the clinical significance of this variant remains unclear.